The following is an entry in ClinVar:

ClinVar aggregate classification (germline): Benign/Likely benign. Review status: criteria provided, multiple submitters, no conflicts (2 of 4 stars). 5 submissions from 5 submitters: Benign (1); Likely benign (4). Last evaluated 2024-12-26.

Conditions:
Hereditary nonpolyposis colorectal neoplasms. Identifiers: MedGen C0009405, MeSH D003123.
Hereditary cancer-predisposing syndrome. Also called: Hereditary Cancer Syndrome; Hereditary neoplastic syndrome; Neoplastic Syndromes, Hereditary; Tumor predisposition. Identifiers: Orphanet 140162, MedGen C0027672, MeSH D009386, MONDO:0015356.
Lynch syndrome. Identifiers: Orphanet 144, MedGen C4552100, MONDO:0005835. Disease mechanism: loss of function.
Lynch syndrome 5 (LYNCH5). Also called: Hereditary non-polyposis colorectal cancer, type 5; Colorectal cancer, hereditary nonpolyposis, type 5. Identifiers: Orphanet 144, MedGen C1833477, MONDO:0013710, OMIM 614350. Disease mechanism: loss of function.

Allele frequency attached by ClinVar (database versions not stated): TOPMed below 0.00001.
gnomAD v4.1: 4 of 1,613,900 alleles (0.00025%); highest among the groups gnomAD compares: Non-Finnish European, 0.00034%; no homozygotes.

Submissions (5):

Myriad Genetics, Inc.
Classification: Benign for Lynch syndrome 5. Last evaluated: 2024-12-26. Review status: criteria provided, single submitter. Criteria: Myriad Autosomal Dominant, Autosomal Recessive and X-Linked Classification Criteria (2023). Collection method: clinical testing. Allele origin: unknown.
Comment: This variant is considered benign. This variant is a silent/synonymous amino acid change and it is not expected to impact splicing.

All of Us Research Program, National Institutes of Health
Classification: Likely benign for Lynch syndrome. Last evaluated: 2024-07-20. Review status: criteria provided, single submitter. Criteria: ACMG Guidelines, 2015. Collection method: clinical testing. Allele origin: germline. Inheritance: Autosomal dominant inheritance. Observed: 2 variant alleles, 2 heterozygotes.
Comment: This study involves interpretation of variants in research participants for the purpose of population health screening. Participant phenotype was not available at the time of variant classification. Additional details can be found in publication PMID: 35346344, PMCID: PMC8962531

Labcorp Genetics (formerly Invitae), Labcorp
Classification: Likely benign for Hereditary nonpolyposis colorectal neoplasms. Last evaluated: 2024-05-08. Review status: criteria provided, single submitter. Criteria: Invitae Variant Classification Sherloc (09022015). Collection method: clinical testing. Allele origin: germline.

Ambry Genetics
Classification: Likely benign for Hereditary cancer-predisposing syndrome. Last evaluated: 2019-05-17. Review status: criteria provided, single submitter. Criteria: Ambry Variant Classification Scheme 2023. Collection method: clinical testing. Allele origin: germline.

Color Diagnostics, LLC DBA Color Health
Classification: Likely benign for Hereditary cancer-predisposing syndrome. Last evaluated: 2019-04-30. Review status: criteria provided, single submitter. Criteria: ACMG Guidelines, 2015. Collection method: clinical testing. Allele origin: germline.

NM_000179.3(MSH6):c.1347G>T (p.Leu449=)

Gene: MSH6 (mutS homolog 6; plus strand). Cytogenetic location: 2p16.3.
Variant type: single nucleotide variant.
Coding change: c.1347G>T on transcript NM_000179.3 (MANE Select); coding-DNA position 1347, G replaced by T.
Protein change: p.Leu449=; no amino-acid change (leucine 449 retained).
Molecular consequence: synonymous variant.
Genome position (GRCh38, 1-based): chr2:47,799,330, G>T. VCF-style: chr2-47799330-G-T. GRCh37 (hg19) VCF-style: chr2-48026469-G-T.
Other names: c.957G>T, p.Leu319= (NM_001281492.2); c.441G>T, p.Leu147= (NM_001281493.2, NM_001281494.2).
Identifiers: ClinVar variation 455133 (VCV000455133.21), dbSNP rs786201760, ClinGen allele CA426121061.